The following is an entry in ClinVar:

NM_003738.5(PTCH2):c.3505del (p.Leu1169fs)

Gene: PTCH2 (patched 2; minus strand). Cytogenetic location: 1p34.1.
Variant type: Deletion.
Coding change: c.3505del on transcript NM_003738.5 (MANE Select); coding-DNA position 3505, one base deleted (C; older notation c.3505delC).
Protein change: p.Leu1169fs; shifts the reading frame from leucine 1169.
Molecular consequence: frameshift variant. On other transcripts: intron variant (1).
Genome position (GRCh38, 1-based): chr1:44,822,522, G deleted on the plus strand (C on the coding strand, the reverse complement: PTCH2 is on the minus strand); the first of 7 consecutive G bases (chr1:44,822,522-44,822,528); deleting any one gives the same sequence. VCF-style (leftmost placement, unchanged base first): chr1-44822521-AG-A. GRCh37 (hg19) VCF-style: chr1-45288193-AG-A.
Other names: c.3425+80del (NM_001166292.2); short protein forms L1169fs.
Identifiers: ClinVar variation 1048946 (VCV001048946.7), dbSNP rs763413121, ClinGen allele CA822662.

ClinVar aggregate classification (germline): Uncertain significance. Review status: criteria provided, single submitter (1 of 4 stars). 2 submissions from 2 submitters: Uncertain significance (1). 1 of the submissions does not count toward it. Last evaluated 2026-01-26.

Conditions:
Gorlin syndrome. Also called: Nevoid Basal Cell Carcinoma Syndrome; Basal cell nevus syndrome. Identifiers: Orphanet 377, MedGen C0004779, MONDO:0007187.

Submissions (2):

Labcorp Genetics (formerly Invitae), Labcorp
Classification: Uncertain significance for Gorlin syndrome. Last evaluated: 2026-01-26. Review status: criteria provided, single submitter. Criteria: Invitae Variant Classification Sherloc (09022015). Collection method: clinical testing. Allele origin: germline.
Comment: This sequence change is expected to alter the c-terminus of the PTCH2 protein (p.Leu1169Cysfs*85). While this is not anticipated to result in nonsense mediated decay, it is expected to disrupt the last 35 amino acid(s) of the PTCH2 protein and extend the protein by 49 additional amino acid residues. This variant is present in population databases (rs766993839, gnomAD 0.05%), and has an allele count higher than expected for a pathogenic variant. This variant has not been reported in the literature in individuals affected with PTCH2-related conditions. ClinVar contains an entry for this variant (Variation ID: 1048946). In summary, the available evidence is currently insufficient to determine the role of this variant in disease. Therefore, it has been classified as a Variant of Uncertain Significance.

Department of Pathology and Laboratory Medicine, Sinai Health System
Classification: Uncertain significance. Review status: no assertion criteria provided. Collection method: clinical testing. Allele origin: unknown. Affected: yes. Study: The Canadian Open Genetics Repository (COGR). Not counted in ClinVar's aggregate classification.
Comment: The PTCH2 p.Leu1169Cysfs*85 variant was not identified in the literature nor was it identified in ClinVar or LOVD 3.0. The variant was identified in dbSNP (ID: rs766993839), Cosmic and in control databases in 22 of 281788 chromosomes at a frequency of 0.000078 (Genome Aggregation Database Feb 27, 2017). The variant was observed in the following populations: Ashkenazi Jewish in 4 of 10294 chromosomes (freq: 0.000389), East Asian in 6 of 19940 chromosomes (freq: 0.000301), Other in 1 of 7202 chromosomes (freq: 0.000139), Latino in 4 of 35406 chromosomes (freq: 0.000113), South Asian in 3 of 30584 chromosomes (freq: 0.000098) and European (non-Finnish) in 4 of 128460 chromosomes (freq: 0.000031), while the variant was not observed in the African or European (Finnish) populations. The c.3505del variant is predicted to cause a frameshift, which alters the protein's amino acid sequence beginning at codon 1169 and leads to a premature stop codon 85 codons downstream. This alteration is then predicted to result in a truncated or absent protein and loss of function. It is currently unclear if loss of function variants of the PTCH2 gene are a mechanism of disease. In summary, based on the above information the clinical significance of this variant cannot be determined with certainty at this time. This variant is classified as a variant of uncertain significance.